The following is an entry in ClinVar:

NM_000264.5(PTCH1):c.2513_2514del (p.Lys838fs)

Genes: PTCH1 (patched 1; minus strand), LOC100507346 (uncharacterized LOC100507346; plus strand). Cytogenetic location: 9q22.32.
Variant type: Deletion.
Coding change: c.2513_2514del on transcript NM_000264.5 (MANE Select); coding-DNA positions 2513 to 2514, 2 bases deleted (AA; older notation c.2513_2514delAA).
Protein change: p.Lys838fs; shifts the reading frame from lysine 838.
Molecular consequence: frameshift variant. On other transcripts: non-coding transcript variant (2).
Genome position (GRCh38, 1-based): chr9:95,467,162-95,467,163, TT deleted on the plus strand (AA on the coding strand, the reverse complement: PTCH1 is on the minus strand); deleting any 2 consecutive bases within chr9:95,467,162-95,467,164 gives the same sequence; the c. name uses the placement nearest the transcript's 3' end. VCF-style (leftmost placement, unchanged base first): chr9-95467161-GTT-G. GRCh37 (hg19) VCF-style: chr9-98229443-GTT-G.
Other names: c.2315_2316del, p.Lys772fs (NM_001083602.3); c.2510_2511del, p.Lys837fs (NM_001083603.3); c.2060_2061del, p.Lys687fs (NM_001083604.3, NM_001083605.3, NM_001083606.3 and 1 more transcripts); c.2357_2358del, p.Lys786fs (NM_001354918.2); short protein forms K687fs, K772fs, K786fs, K837fs, K838fs.
Identifiers: ClinVar variation 4820222 (VCV004820222.1).

ClinVar aggregate classification (germline): Pathogenic (1 of 4 stars; one submission).

Conditions:
Basal cell nevus syndrome 1 (BCNS1). Also called: GORLIN-GOLTZ SYNDROME; MULTIPLE BASAL CELL NEVI, ODONTOGENIC KERATOCYSTS, AND SKELETAL ANOMALIES. Identifiers: MedGen CN376810, MONDO:0958174, OMIM 109400.

Submission:

Center for Human Genetics and Genomic Medicine, Uniklinik Rwth Aachen
Classification: Pathogenic for Basal cell nevus syndrome 1. Last evaluated: 2026-03-26. Review status: criteria provided, single submitter. Criteria: ACMG Guidelines, 2015. Collection method: clinical testing. Allele origin: de novo. Affected: yes. Observed: 1 variant allele, 1 heterozygote.
Comment: truncating SNVs in PTCH1 are considered pathogenic; variant is not in public databases (gnomAD v4.1.0); de novo with confirmation of maternity and paternity; PVS1, PS2_mod, PM2_sup